The following is an entry in ClinVar:

ClinVar aggregate classification (germline): Uncertain significance (1 of 4 stars; one submission).

Conditions:
Stormorken syndrome (STRMK). Also called: THROMBOCYTOPATHY, ASPLENIA, AND MIOSIS. Identifiers: Orphanet 3204, MedGen C1861451, MONDO:0008497, OMIM 185070.
Combined immunodeficiency due to STIM1 deficiency. Also called: IMMUNODEFICIENCY 10; STIM1 DEFICIENCY. Identifiers: Orphanet 169090, Orphanet 317430, MedGen C2748557, MONDO:0013008, OMIM 612783.
Myopathy with tubular aggregates (TAM). Also called: Tubular Aggregate Myopathy. Identifiers: Orphanet 2593, MedGen C0410207, MONDO:0008051.

Submission:

Labcorp Genetics (formerly Invitae), Labcorp
Classification: Uncertain significance for Myopathy with tubular aggregates; Combined immunodeficiency due to STIM1 deficiency; Stormorken syndrome. Last evaluated: 2023-11-04. Review status: criteria provided, single submitter. Criteria: Invitae Variant Classification Sherloc (09022015). Collection method: clinical testing. Allele origin: germline.
Comment: This sequence change replaces proline, which is neutral and non-polar, with serine, which is neutral and polar, at codon 669 of the STIM1 protein (p.Pro669Ser). This variant is not present in population databases (gnomAD no frequency). This variant has not been reported in the literature in individuals affected with STIM1-related conditions. Advanced modeling of protein sequence and biophysical properties (such as structural, functional, and spatial information, amino acid conservation, physicochemical variation, residue mobility, and thermodynamic stability) performed at Invitae indicates that this missense variant is not expected to disrupt STIM1 protein function with a negative predictive value of 80%. In summary, the available evidence is currently insufficient to determine the role of this variant in disease. Therefore, it has been classified as a Variant of Uncertain Significance.

NM_001382567.1(STIM1):c.2098C>T (p.Pro700Ser)

Genes: STIM1 (stromal interaction molecule 1; plus strand), LOC124418421 (Sharpr-MPRA regulatory region 9588; plus strand). Cytogenetic location: 11p15.4.
Variant type: single nucleotide variant.
Coding change: c.2098C>T on transcript NM_001382567.1 (MANE Select); coding-DNA position 2098, C replaced by T.
Protein change: p.Pro700Ser; replaces proline 700 with serine.
Molecular consequence: missense variant. On other transcripts: 3 prime UTR variant (4), non-coding transcript variant (3).
Genome position (GRCh38, 1-based): chr11:4,091,745, C>T. VCF-style: chr11-4091745-C-T. GRCh37 (hg19) VCF-style: chr11-4112975-C-T.
Other names: c.2323C>T, p.Pro775Ser (NM_001277961.3); c.*419C>T (NM_001277962.2, NM_001382578.1, NM_001382579.1 and 1 more transcripts); c.2101C>T, p.Pro701Ser (NM_001382566.1); c.2026C>T, p.Pro676Ser (NM_001382568.1); c.1870C>T, p.Pro624Ser (NM_001382569.1); c.1777C>T, p.Pro593Ser (NM_001382570.1); c.1525C>T, p.Pro509Ser (NM_001382571.1); c.1783C>T, p.Pro595Ser (NM_001382575.1, NM_001382576.1, NM_001382577.1); and 2 more; short protein forms P506S, P676S, P624S, P669S, P593S, P775S, P509S, P595S.
Identifiers: ClinVar variation 2927263 (VCV002927263.3), dbSNP rs2498547153, ClinGen allele CA379198296.
Genomic context (GRCh38, chr11:4,091,745, plus strand): 5'-GGCAAGAAGGCTGTGGCTGAGGAGGATAATGGCTCTATTGGCGAGGAAACAGACTCCAGC[C>T]CAGGCCGGAAGAAGTTTCCCCTCAAAATCTTTAAGAAGCCTCTTAAGAAGTAGGCAGGAT-3'
Protein context (NP_001369496.1, residues 690-710): GSIGEETDSS[Pro700Ser]GRKKFPLKIF